The following is an entry in ClinVar:

ClinVar aggregate classification (germline): Uncertain significance (1 of 4 stars; one submission).

Conditions:
Neurofibromatosis, type 2 (SWNV). Also called: BILATERAL ACOUSTIC NEUROFIBROMATOSIS; SCHWANNOMATOSIS, VESTIBULAR; NF2-Related Schwannomatosis. Identifiers: Orphanet 637, MedGen C0027832, MONDO:0007039, OMIM 101000. Disease mechanism: loss of function.

Submission:

Labcorp Genetics (formerly Invitae), Labcorp
Classification: Uncertain significance for Neurofibromatosis, type 2. Last evaluated: 2025-11-10. Review status: criteria provided, single submitter. Criteria: Invitae Variant Classification Sherloc (09022015). Collection method: clinical testing. Allele origin: germline.
Comment: This sequence change replaces serine, which is neutral and polar, with asparagine, which is neutral and polar, at codon 532 of the NF2 protein (p.Ser532Asn). This variant is not present in population databases (gnomAD no frequency). This variant has not been reported in the literature in individuals affected with NF2-related conditions. ClinVar contains an entry for this variant (Variation ID: 1480981). Invitae Evidence Modeling of protein sequence and biophysical properties (such as structural, functional, and spatial information, amino acid conservation, physicochemical variation, residue mobility, and thermodynamic stability) indicates that this missense variant is not expected to disrupt NF2 protein function with a negative predictive value of 80%. In summary, the available evidence is currently insufficient to determine the role of this variant in disease. Therefore, it has been classified as a Variant of Uncertain Significance.

NM_000268.4(NF2):c.1595G>A (p.Ser532Asn)

Gene: NF2 (NF2, moesin-ezrin-radixin like (MERLIN) tumor suppressor; plus strand). Cytogenetic location: 22q12.2.
Variant type: single nucleotide variant.
Coding change: c.1595G>A on transcript NM_000268.4 (MANE Select); coding-DNA position 1595, G replaced by A.
Protein change: p.Ser532Asn; replaces serine 532 with asparagine.
Molecular consequence: missense variant. On other transcripts: non-coding transcript variant (1), intron variant (1).
Genome position (GRCh38, 1-based): chr22:29,681,459, G>A. VCF-style: chr22-29681459-G-A. GRCh37 (hg19) VCF-style: chr22-30077448-G-A.
Other names: c.1595G>A, p.Ser532Asn (NM_016418.5, NM_181825.3, NM_181832.3); c.1469G>A, p.Ser490Asn (NM_181828.3); c.1472G>A, p.Ser491Asn (NM_181829.3); c.1346G>A, p.Ser449Asn (NM_181830.3, NM_181831.3); c.448-13293G>A (NM_181833.3); short protein forms S449N, S532N, S490N, S491N.
Identifiers: ClinVar variation 1480981 (VCV001480981.8), dbSNP rs2147122432, ClinGen allele CA411150034.